The following is an entry in ClinVar:

NM_033305.3(VPS13A):c.109_110insACTGTCTCTTATA (p.Ala37fs)

Gene: VPS13A (vacuolar protein sorting 13 homolog A; plus strand). Cytogenetic location: 9q21.2.
Variant type: Insertion.
Coding change: c.109_110insACTGTCTCTTATA on transcript NM_033305.3 (MANE Select); coding-DNA positions 109 to 110, ACTGTCTCTTATA inserted.
Protein change: p.Ala37fs; shifts the reading frame from alanine 37.
Molecular consequence: frameshift variant.
Genome position: GRCh38 VCF-style: chr9-77199953-G-GACTGTCTCTTATA. GRCh37 (hg19) VCF-style: chr9-79814869-G-GACTGTCTCTTATA.
Other names: c.109_110insACTGTCTCTTATA, p.Ala37fs (NM_001018037.2, NM_001018038.3, NM_015186.4); short protein forms A37fs.
Identifiers: ClinVar variation 5011002 (VCV005011002.1).
Genomic context (GRCh38, chr9:77,199,953, plus strand): 5'-TTTAAAATGAAAAATATTTGATTGTTTGAATCTTTTTTTTAATCTTTTTTAGGAGCTGTG[G>GACTGTCTCTTATA]CCCTCAAGAATCTTCAAATTAAAGAAAATGCCCTGGTAGGTTTTGACTATGAAAAATTTG-3'

ClinVar aggregate classification (germline): Pathogenic (1 of 4 stars; one submission).

Conditions:
VPS13A-related neurodegenerative disease. Also called: ACANTHOCYTOSIS WITH NEUROLOGIC DISORDER; LEVINE-CRITCHLEY SYNDROME; Choreoacanthocytosis; Chorea-acanthocytosis; Choreaacanthocytosis; VPS13A Disease. Identifiers: Orphanet 2388, MedGen C0393576, MONDO:0008695, OMIM 200150.

Submission:

Myriad Genetics, Inc.
Classification: Pathogenic for VPS13A-related neurodegenerative disease. Last evaluated: 2024-05-14. Review status: criteria provided, single submitter. Criteria: Myriad Autosomal Dominant, Autosomal Recessive and X-Linked Classification Criteria (2023). Collection method: clinical testing. Allele origin: unknown.
Comment: NM_033305.2(VPS13A):c.109_110ins13(A37Dfs*12) is expected to be pathogenic in the context of VPS13A disease. This variant is predicted to lead to an abnormal or absent protein product due to the creation of a premature termination codon in VPS13A, a gene where loss-of-function variants are known to be pathogenic. Please note: this variant was assessed in the context of healthy population screening.